The following is an entry in ClinVar:

NM_001367823.1(ARHGEF18):c.2026C>T (p.Arg676Cys)

Gene: ARHGEF18 (Rho/Rac guanine nucleotide exchange factor 18; plus strand). Cytogenetic location: 19p13.2.
Variant type: single nucleotide variant.
Coding change: c.2026C>T on transcript NM_001367823.1 (MANE Select); coding-DNA position 2026, C replaced by T.
Protein change: p.Arg676Cys; replaces arginine 676 with cysteine.
Molecular consequence: missense variant.
Genome position (GRCh38, 1-based): chr19:7,453,637, C>T. VCF-style: chr19-7453637-C-T. GRCh37 (hg19) VCF-style: chr19-7518523-C-T.
Other names: c.1300C>T, p.Arg434Cys (NM_001130955.2); c.988C>T, p.Arg330Cys (NM_001367824.1, NM_015318.4); short protein forms R330C, R434C, R676C.
Identifiers: ClinVar variation 1015017 (VCV001015017.6), dbSNP rs756499530, ClinGen allele CA9136696.

ClinVar aggregate classification (germline): Uncertain significance (1 of 4 stars; one submission).

Allele frequency attached by ClinVar (database versions not stated): gnomAD exomes 0.00001; ExAC 0.00002.
gnomAD v4.1: 6 of 1,611,806 alleles (0.00037%); highest among the groups gnomAD compares: Non-Finnish European, 0.00042%; no homozygotes.

Submission:

Labcorp Genetics (formerly Invitae), Labcorp
Classification: Uncertain significance. Last evaluated: 2020-03-17. Review status: criteria provided, single submitter. Criteria: Invitae Variant Classification Sherloc (09022015). Collection method: clinical testing. Allele origin: germline.
Comment: In summary, the available evidence is currently insufficient to determine the role of this variant in disease. Therefore, it has been classified as a Variant of Uncertain Significance. Algorithms developed to predict the effect of missense changes on protein structure and function are either unavailable or do not agree on the potential impact of this missense change (SIFT: "Deleterious"; PolyPhen-2: "Benign"; Align-GVGD: "Class C65"). This variant has not been reported in the literature in individuals with ARHGEF18-related conditions. This variant is present in population databases (rs756499530, ExAC 0.003%). This sequence change replaces arginine with cysteine at codon 488 of the ARHGEF18 protein (p.Arg488Cys). The arginine residue is highly conserved and there is a large physicochemical difference between arginine and cysteine.